The following is an entry in ClinVar:

ClinVar aggregate classification (germline): Conflicting classifications of pathogenicity. Review status: criteria provided, conflicting classifications (1 of 4 stars). 2 submissions from 2 submitters: Uncertain significance (1); Likely benign (1). Last evaluated 2024-07-23.

Allele frequency attached by ClinVar (database versions not stated): gnomAD exomes below 0.00001; gnomAD 0.00001; TOPMed 0.00002.
gnomAD v4.1: 4 of 1,613,456 alleles (0.00025%); highest among the groups gnomAD compares: African/African-American, 0.0053%; no homozygotes.

Submissions (2):

Labcorp Genetics (formerly Invitae), Labcorp
Classification: Likely benign. Last evaluated: 2024-07-23. Review status: criteria provided, single submitter. Criteria: Invitae Variant Classification Sherloc (09022015). Collection method: clinical testing. Allele origin: germline.

Mayo Clinic Laboratories, Mayo Clinic
Classification: Uncertain significance. Last evaluated: 2022-08-25. Review status: criteria provided, single submitter. Criteria: ACMG Guidelines, 2015. Collection method: clinical testing. Allele origin: germline. Observed: 1 variant allele.
Comment: BP4, PM2

NM_003126.4(SPTA1):c.2905C>G (p.Gln969Glu)

Gene: SPTA1 (spectrin alpha, erythrocytic 1; minus strand). Cytogenetic location: 1q23.1.
Variant type: single nucleotide variant.
Coding change: c.2905C>G on transcript NM_003126.4 (MANE Select); coding-DNA position 2905, C replaced by G.
Protein change: p.Gln969Glu; replaces glutamine 969 with glutamic acid.
Molecular consequence: missense variant.
Genome position (GRCh38, 1-based): chr1:158,654,742, G>C on the plus strand (C>G on the coding strand, the complement: SPTA1 is on the minus strand). VCF-style: chr1-158654742-G-C. GRCh37 (hg19) VCF-style: chr1-158624532-G-C.
Other names: p.Gln969Glu; short protein forms Q969E.
Identifiers: ClinVar variation 2682670 (VCV002682670.3), dbSNP rs967975662, ClinGen allele CA31275819.